The following is an entry in ClinVar:

ClinVar aggregate classification (germline): Uncertain significance. Review status: criteria provided, multiple submitters, no conflicts (2 of 4 stars). 2 submissions from 2 submitters: Uncertain significance (2). Last evaluated 2025-10-14.

Conditions:
Cardiovascular phenotype. Identifiers: MedGen CN230736.

gnomAD v4.1: 13 of 1,608,490 alleles (0.00081%); highest among the groups gnomAD compares: East Asian, 0.016%; no homozygotes.

Submissions (2):

Women's Health and Genetics/Laboratory Corporation of America, LabCorp
Classification: Uncertain significance. Last evaluated: 2025-10-14. Review status: criteria provided, single submitter. Criteria: LabCorp Variant Classification Summary - May 2015. Collection method: clinical testing. Allele origin: germline.
Comment: Variant summary: TNXB c.3262G>A (p.Glu1088Lys) results in a conservative amino acid change in the encoded protein sequence. Algorithms developed to predict the effect of missense changes on protein structure and function all suggest that this variant is likely to be tolerated. The variant allele was found at a frequency of 4.1e-06 in 243326 control chromosomes. The available data on variant occurrences in the general population are insufficient to allow any conclusion about variant significance. To our knowledge, no occurrence of c.3262G>A in individuals affected with TNXB-related conditions and no experimental evidence demonstrating its impact on protein function have been reported. ClinVar contains an entry for this variant (Variation ID: 3327890). Based on the evidence outlined above, the variant was classified as uncertain significance.

Ambry Genetics
Classification: Uncertain significance for Cardiovascular phenotype. Last evaluated: 2024-04-16. Review status: criteria provided, single submitter. Criteria: Ambry Variant Classification Scheme 2023. Collection method: clinical testing. Allele origin: germline.
Comment: The p.E1088K variant (also known as c.3262G>A), located in coding exon 7 of the TNXB gene, results from a G to A substitution at nucleotide position 3262. The glutamic acid at codon 1088 is replaced by lysine, an amino acid with similar properties. This amino acid position is conserved. In addition, this alteration is predicted to be tolerated by in silico analysis. Based on the available evidence, the clinical significance of this variant remains unclear.

NM_001365276.2(TNXB):c.3262G>A (p.Glu1088Lys)

Gene: TNXB (tenascin XB; minus strand). Cytogenetic location: 6p21.33.
Variant type: single nucleotide variant.
Coding change: c.3262G>A on transcript NM_001365276.2 (MANE Select); coding-DNA position 3262, G replaced by A.
Protein change: p.Glu1088Lys; replaces glutamic acid 1088 with lysine.
Molecular consequence: missense variant.
Genome position (GRCh38, 1-based): chr6:32,084,596, C>T on the plus strand (G>A on the coding strand, the complement: TNXB is on the minus strand). VCF-style: chr6-32084596-C-T. GRCh37 (hg19) VCF-style: chr6-32052373-C-T.
Other names: c.3262G>A, p.Glu1088Lys (NM_019105.8); short protein forms E1088K.
Identifiers: ClinVar variation 3327890 (VCV003327890.2).